The following is an entry in ClinVar:

ClinVar aggregate classification (germline): Uncertain significance (1 of 4 stars; one submission).

Submission:

GeneDx
Classification: Uncertain significance. Last evaluated: 2023-12-13. Review status: criteria provided, single submitter. Criteria: GeneDx Variant Classification Process June 2021. Collection method: clinical testing. Allele origin: germline. Affected: yes.
Comment: Not observed at significant frequency in large population cohorts (gnomAD); In silico analysis supports that this missense variant has a deleterious effect on protein structure/function; Missense variants in this gene are a common cause of disease and they are underrepresented in the general population; Has not been previously published as pathogenic or benign to our knowledge; This variant is associated with the following publications: (PMID: 29493581)

NM_005633.4(SOS1):c.1052T>G (p.Leu351Arg)

Gene: SOS1 (SOS Ras/Rac guanine nucleotide exchange factor 1; minus strand). Cytogenetic location: 2p22.1.
Variant type: single nucleotide variant.
Coding change: c.1052T>G on transcript NM_005633.4 (MANE Select); coding-DNA position 1052, T replaced by G.
Protein change: p.Leu351Arg; replaces leucine 351 with arginine.
Molecular consequence: missense variant.
Genome position (GRCh38, 1-based): chr2:39,035,234, A>C on the plus strand (T>G on the coding strand, the complement: SOS1 is on the minus strand). VCF-style: chr2-39035234-A-C. GRCh37 (hg19) VCF-style: chr2-39262375-A-C.
Other names: c.1031T>G, p.Leu344Arg (NM_001382394.1); c.1052T>G, p.Leu351Arg (NM_001382395.1); short protein forms L344R, L351R.
Identifiers: ClinVar variation 3365448 (VCV003365448.1).